The following is an entry in ClinVar:

NM_017780.4(CHD7):c.7746G>A (p.Gly2582=)

Gene: CHD7 (chromodomain helicase DNA binding protein 7; plus strand). Cytogenetic location: 8q12.2.
Variant type: single nucleotide variant.
Coding change: c.7746G>A on transcript NM_017780.4 (MANE Select); coding-DNA position 7746, G replaced by A.
Protein change: p.Gly2582=; no amino-acid change (glycine 2582 retained).
Molecular consequence: synonymous variant. On other transcripts: intron variant (1).
Genome position (GRCh38, 1-based): chr8:60,861,041, G>A. VCF-style: chr8-60861041-G-A. GRCh37 (hg19) VCF-style: chr8-61773600-G-A.
Other names: c.1717-1188G>A (NM_001316690.1); c.7746G>A (NM_017780.3).
Identifiers: ClinVar variation 1586583 (VCV001586583.11), dbSNP rs746591351, ClinGen allele CA4760876.

ClinVar aggregate classification (germline): Likely benign. Review status: criteria provided, multiple submitters, no conflicts (2 of 4 stars). 3 submissions from 3 submitters: Likely benign (2). 1 of the submissions does not count toward it. Last evaluated 2025-05-27.

Conditions:
CHD7-related disorder. Also called: CHD7-related condition.
CHARGE syndrome (CHARGE). Also called: Coloboma, heart anomaly, choanal atresia, retardation, genital and ear anomalies; CHARGE association; Hall-Hittner syndrome; Hittner Hirsch Kreh syndrome; CHARGE ASSOCIATION--COLOBOMA, HEART ANOMALY, CHOANAL ATRESIA, RETARDATION, GENITAL AND EAR ANOMALIES. Identifiers: Orphanet 138, MedGen C0265354, MONDO:0008965.

Allele frequency attached by ClinVar (database versions not stated): gnomAD exomes below 0.00001 and 0.00001; ExAC 0.00001; gnomAD 0.00003.
gnomAD v4.1: 8 of 1,613,836 alleles (0.0005%); highest among the groups gnomAD compares: African/African-American, 0.0013%; no homozygotes.

Submissions (3):

Labcorp Genetics (formerly Invitae), Labcorp
Classification: Likely benign for CHARGE syndrome. Last evaluated: 2025-05-27. Review status: criteria provided, single submitter. Criteria: Invitae Variant Classification Sherloc (09022015). Collection method: clinical testing. Allele origin: germline.

Women's Health and Genetics/Laboratory Corporation of America, LabCorp
Classification: Likely benign. Last evaluated: 2024-04-08. Review status: criteria provided, single submitter. Criteria: LabCorp Variant Classification Summary - May 2015. Collection method: clinical testing. Allele origin: germline.

PreventionGenetics, part of Exact Sciences
Classification: Likely benign for CHD7-related condition. Last evaluated: 2023-05-16. Review status: no assertion criteria provided. Collection method: clinical testing. Allele origin: germline. Not counted in ClinVar's aggregate classification.
Comment: This variant is classified as likely benign based on ACMG/AMP sequence variant interpretation guidelines (Richards et al. 2015 PMID: 25741868, with internal and published modifications).